The following is an entry in ClinVar:

ClinVar aggregate classification (germline): Likely benign (1 of 4 stars; one submission).

Submission:

CeGaT Center for Human Genetics Tuebingen
Classification: Likely benign. Last evaluated: 2025-12-01. Review status: criteria provided, single submitter. Criteria: CeGaT Center For Human Genetics Tuebingen Variant Classification Criteria Version 2. Collection method: clinical testing. Allele origin: germline. Affected: yes. Observed: 1 variant allele.
Comment: LHX3: BP4, BP7

NM_178138.6(LHX3):c.79+1951G>A

Gene: LHX3 (LIM homeobox 3; minus strand). Cytogenetic location: 9q34.3.
Variant type: single nucleotide variant.
Coding change: c.79+1951G>A on transcript NM_178138.6 (MANE Select); 1951 bases into the intron after coding-DNA position 79, G replaced by A.
Molecular consequence: intron variant. On other transcripts: synonymous variant (1).
Genome position (GRCh38, 1-based): chr9:136,202,983, C>T on the plus strand (G>A on the coding strand, the complement: LHX3 is on the minus strand). VCF-style: chr9-136202983-C-T. GRCh37 (hg19) VCF-style: chr9-139094829-C-T.
Other names: c.57G>A, p.Leu19= (NM_014564.5).
Identifiers: ClinVar variation 4682044 (VCV004682044.5).